The following is an entry in ClinVar:

NM_014712.3(SETD1A):c.2116C>T (p.Pro706Ser)

Gene: SETD1A (SET domain containing 1A, histone lysine methyltransferase; plus strand). Cytogenetic location: 16p11.2.
Variant type: single nucleotide variant.
Coding change: c.2116C>T on transcript NM_014712.3 (MANE Select); coding-DNA position 2116, C replaced by T.
Protein change: p.Pro706Ser; replaces proline 706 with serine.
Molecular consequence: missense variant.
Genome position (GRCh38, 1-based): chr16:30,965,997, C>T. VCF-style: chr16-30965997-C-T. GRCh37 (hg19) VCF-style: chr16-30977318-C-T.
Other names: short protein forms P706S.
Identifiers: ClinVar variation 2505059 (VCV002505059.2), dbSNP rs764280858, ClinGen allele CA395657589.

ClinVar aggregate classification (germline): Uncertain significance (1 of 4 stars; one submission).

gnomAD v4.1: 2 of 1,577,442 alleles (0.00013%); highest among the groups gnomAD compares: East Asian, 0.0022%; no homozygotes.

Submission:

GeneDx
Classification: Uncertain significance. Last evaluated: 2025-02-02. Review status: criteria provided, single submitter. Criteria: GeneDx Variant Classification Process June 2021. Collection method: clinical testing. Allele origin: germline.
Comment: Not observed at significant frequency in large population cohorts (gnomAD); In silico analysis indicates that this missense variant does not alter protein structure/function; Has not been previously published as pathogenic or benign to our knowledge